The following is an entry in ClinVar:

NM_022463.5(NXN):c.820+6C>T

Gene: NXN (nucleoredoxin; minus strand). Cytogenetic location: 17p13.3.
Variant type: single nucleotide variant.
Coding change: c.820+6C>T on transcript NM_022463.5 (MANE Select); 6 bases into the intron after coding-DNA position 820, C replaced by T.
Molecular consequence: intron variant.
Genome position (GRCh38, 1-based): chr17:819,433, G>A on the plus strand (C>T on the coding strand, the complement: NXN is on the minus strand). VCF-style: chr17-819433-G-A. GRCh37 (hg19) VCF-style: chr17-722673-G-A.
Other names: c.496+6C>T (NM_001205319.1).
Identifiers: ClinVar variation 1902369 (VCV001902369.4), dbSNP rs767283690, ClinGen allele CA8264085.

ClinVar aggregate classification (germline): Uncertain significance (1 of 4 stars; one submission).

Allele frequency attached by ClinVar (database versions not stated): gnomAD exomes 0.00001; TOPMed 0.00001; ExAC 0.00002; gnomAD 0.00002.
gnomAD v4.1: 12 of 1,611,842 alleles (0.00074%); highest among the groups gnomAD compares: Admixed American, 0.0033%; no homozygotes.

Submission:

Labcorp Genetics (formerly Invitae), Labcorp
Classification: Uncertain significance. Last evaluated: 2025-04-01. Review status: criteria provided, single submitter. Criteria: Invitae Variant Classification Sherloc (09022015). Collection method: clinical testing. Allele origin: germline.
Comment: This sequence change falls in intron 5 of the NXN gene. It does not directly change the encoded amino acid sequence of the NXN protein. It affects a nucleotide within the consensus splice site. This variant is present in population databases (rs767283690, gnomAD 0.006%). This variant has not been reported in the literature in individuals affected with NXN-related conditions. ClinVar contains an entry for this variant (Variation ID: 1902369). Variants that disrupt the consensus splice site are a relatively common cause of aberrant splicing (PMID: 17576681, 9536098). Algorithms developed to predict the effect of sequence changes on RNA splicing suggest that this variant is not likely to affect RNA splicing. In summary, the available evidence is currently insufficient to determine the role of this variant in disease. Therefore, it has been classified as a Variant of Uncertain Significance.

Literature cited by the submitters: PubMed 17576681; PubMed 9536098.